The following is an entry in ClinVar:

ClinVar aggregate classification (germline): Uncertain significance (1 of 4 stars; one submission).

Conditions:
Creatine transporter deficiency (CCDS1). Also called: Mental retardation , X-linked with seizures, short stature and midface hypoplasia; Mental retardation , X-linked, with creatine transport deficiency; X-linked creatine transporter deficiency; X-linked creatine deficiency syndrome; SLC6A8-Related Creatine Transporter Deficiency; CREATINE TRANSPORTER DEFECT. Identifiers: Orphanet 52503, MedGen C1845862, MONDO:0010305, OMIM 300352.

Submission:

Labcorp Genetics (formerly Invitae), Labcorp
Classification: Uncertain significance for Creatine transporter deficiency. Last evaluated: 2024-07-23. Review status: criteria provided, single submitter. Criteria: Invitae Variant Classification Sherloc (09022015). Collection method: clinical testing. Allele origin: germline.
Comment: This sequence change replaces serine, which is neutral and polar, with phenylalanine, which is neutral and non-polar, at codon 567 of the SLC6A8 protein (p.Ser567Phe). This variant is not present in population databases (gnomAD no frequency). This variant has not been reported in the literature in individuals affected with SLC6A8-related conditions. Advanced modeling of protein sequence and biophysical properties (such as structural, functional, and spatial information, amino acid conservation, physicochemical variation, residue mobility, and thermodynamic stability) has been performed at Invitae for this missense variant, however the output from this modeling did not meet the statistical confidence thresholds required to predict the impact of this variant on SLC6A8 protein function. In summary, the available evidence is currently insufficient to determine the role of this variant in disease. Therefore, it has been classified as a Variant of Uncertain Significance.

NM_005629.4(SLC6A8):c.1700C>T (p.Ser567Phe)

Gene: SLC6A8 (solute carrier family 6 member 8; plus strand). Cytogenetic location: Xq28.
Variant type: single nucleotide variant.
Coding change: c.1700C>T on transcript NM_005629.4 (MANE Select); coding-DNA position 1700, C replaced by T.
Protein change: p.Ser567Phe; replaces serine 567 with phenylalanine.
Molecular consequence: missense variant.
Genome position (GRCh38, 1-based): chrX:153,694,822, C>T. VCF-style: chrX-153694822-C-T. GRCh37 (hg19) VCF-style: chrX-152960277-C-T.
Other names: c.1670C>T, p.Ser557Phe (NM_001142805.2); c.1355C>T, p.Ser452Phe (NM_001142806.1); short protein forms S452F, S557F, S567F.
Identifiers: ClinVar variation 3656727 (VCV003656727.2).